The following is an entry in ClinVar:

ClinVar aggregate classification (germline): Uncertain significance (1 of 4 stars; one submission).

Conditions:
Jeune thoracic dystrophy. Also called: Short-rib thoracic dysplasia; Jeune syndrome; Infantile thoracic dystrophy; Thoracic pelvic phalangeal dystrophy; Jeune's syndrome; Chondroectodermal dysplasia-like syndrome. Identifiers: Orphanet 474, MedGen C0265275, MONDO:0018770.

Allele frequency attached by ClinVar (database versions not stated): ESP Exome Variant Server 0.00008.

Submission:

Labcorp Genetics (formerly Invitae), Labcorp
Classification: Uncertain significance for Jeune thoracic dystrophy. Last evaluated: 2022-07-13. Review status: criteria provided, single submitter. Criteria: Invitae Variant Classification Sherloc (09022015). Collection method: clinical testing. Allele origin: germline.
Comment: Advanced modeling of protein sequence and biophysical properties (such as structural, functional, and spatial information, amino acid conservation, physicochemical variation, residue mobility, and thermodynamic stability) performed at Invitae indicates that this missense variant is not expected to disrupt DYNC2H1 protein function. This sequence change replaces histidine, which is basic and polar, with leucine, which is neutral and non-polar, at codon 3866 of the DYNC2H1 protein (p.His3866Leu). This variant is present in population databases (rs370156627, gnomAD 0.007%). This variant has not been reported in the literature in individuals affected with DYNC2H1-related conditions. In summary, the available evidence is currently insufficient to determine the role of this variant in disease. Therefore, it has been classified as a Variant of Uncertain Significance.

NM_001377.3(DYNC2H1):c.11576A>T (p.His3859Leu)

Gene: DYNC2H1 (dynein cytoplasmic 2 heavy chain 1; plus strand). Cytogenetic location: 11q22.3.
Variant type: single nucleotide variant.
Coding change: c.11576A>T on transcript NM_001377.3 (MANE Select); coding-DNA position 11576, A replaced by T.
Protein change: p.His3859Leu; replaces histidine 3859 with leucine.
Molecular consequence: missense variant.
Genome position (GRCh38, 1-based): chr11:103,311,960, A>T. VCF-style: chr11-103311960-A-T. GRCh37 (hg19) VCF-style: chr11-103182689-A-T.
Other names: c.11597A>T, p.His3866Leu (NM_001080463.2); short protein forms H3859L, H3866L.
Identifiers: ClinVar variation 2152081 (VCV002152081.3), dbSNP rs370156627, ClinGen allele CA6255318.
Genomic context (GRCh38, chr11:103,311,960, plus strand): 5'-ATTTAATGCGTACTTATGAGTCTTGGACTCCTGAGCAAATTAGCAAAAAAGATAATACAC[A>T]TCGAGCTCATGCTCTCTTCAGTCTTGCATGGTTTCATGCTGCATGTCAAGAAAGAAGAAA-3'
Protein context (NP_001368.2, residues 3849-3869): PEQISKKDNT[His3859Leu]RAHALFSLAW